The following is an entry in ClinVar:

NM_022841.7(RFX7):c.100dup (p.Val34fs)

Gene: RFX7 (regulatory factor X7; minus strand). Cytogenetic location: 15q21.3.
Variant type: Duplication.
Coding change: c.100dup on transcript NM_022841.7 (MANE Select); coding-DNA position 100, one base duplicated (G; older notation c.100dupG).
Protein change: p.Val34fs; shifts the reading frame from valine 34.
Molecular consequence: frameshift variant. On other transcripts: 5 prime UTR variant (1).
Genome position (GRCh38, 1-based): chr15:56,243,186, C duplicated on the plus strand (G on the coding strand, the reverse complement: RFX7 is on the minus strand). VCF-style (leftmost placement, unchanged base first): chr15-56243185-A-AC. GRCh37 (hg19) VCF-style: chr15-56535383-A-AC.
Other names: c.-158dup (NM_001368073.2); c.100dup, p.Val34fs (NM_001370561.1); short protein forms V34fs.
Identifiers: ClinVar variation 4076373 (VCV004076373.1).

ClinVar aggregate classification (germline): Likely pathogenic (1 of 4 stars; one submission).

Conditions:
Intellectual developmental disorder, autosomal dominant 71, with behavioral abnormalities (MRD71). Identifiers: MedGen C5830437, MONDO:0957228, OMIM 620330.

Submission:

Laboratorio de Genetica e Diagnostico Molecular, Hospital Israelita Albert Einstein
Classification: Likely pathogenic for Intellectual developmental disorder, autosomal dominant 71, with behavioral abnormalities. Last evaluated: 2024-11-12. Review status: criteria provided, single submitter. Criteria: ACMG Guidelines, 2015. Collection method: clinical testing. Allele origin: germline. Affected: yes.
Comment: ACMG classification criteria: PVS1 very strong, PM2 supporting